The following is an entry in ClinVar:

NM_000441.2(SLC26A4):c.765+2T>C

Gene: SLC26A4 (solute carrier family 26 member 4; plus strand). Cytogenetic location: 7q22.3.
Variant type: single nucleotide variant.
Coding change: c.765+2T>C on transcript NM_000441.2 (MANE Select); the canonical splice donor site of the intron after coding-DNA position 765, T replaced by C.
Molecular consequence: splice donor variant.
Genome position (GRCh38, 1-based): chr7:107,675,111, T>C. VCF-style: chr7-107675111-T-C. GRCh37 (hg19) VCF-style: chr7-107315556-T-C.
Identifiers: ClinVar variation 43567 (VCV000043567.19), dbSNP rs397516432, ClinGen allele CA261439.

ClinVar aggregate classification (germline): Pathogenic/Likely pathogenic. Review status: criteria provided, multiple submitters, no conflicts (2 of 4 stars). 4 submissions from 4 submitters: Pathogenic (2); Likely pathogenic (2). Last evaluated 2022-09-22.

Conditions:
Rare genetic deafness. Identifiers: Orphanet 96210, MedGen C5680250.
Pendred syndrome (PDS). Also called: Pendred's syndrome; DEAFNESS WITH GOITER; GOITER-DEAFNESS SYNDROME; HYPOTHYROIDISM, CONGENITAL, DUE TO DYSHORMONOGENESIS, 2B; Pendred Syndrome (PDS); THYROID DYSHORMONOGENESIS 2B. Identifiers: Orphanet 705, MedGen C0271829, MONDO:0010134, OMIM 274600.

Allele frequency attached by ClinVar (database versions not stated): gnomAD exomes below 0.00001.
gnomAD v4.1: 2 of 1,613,184 alleles (0.00012%); highest among the groups gnomAD compares: Non-Finnish European, 0.00017%; no homozygotes.

Submissions (4):

Labcorp Genetics (formerly Invitae), Labcorp
Classification: Likely pathogenic. Last evaluated: 2022-09-22. Review status: criteria provided, single submitter. Criteria: Invitae Variant Classification Sherloc (09022015). Collection method: clinical testing. Allele origin: germline.
Comment: In summary, the currently available evidence indicates that the variant is pathogenic, but additional data are needed to prove that conclusively. Therefore, this variant has been classified as Likely Pathogenic. Algorithms developed to predict the effect of sequence changes on RNA splicing suggest that this variant may disrupt the consensus splice site. ClinVar contains an entry for this variant (Variation ID: 43567). This variant has not been reported in the literature in individuals affected with SLC26A4-related conditions. This variant is not present in population databases (gnomAD no frequency). This sequence change affects a donor splice site in intron 6 of the SLC26A4 gene. It is expected to disrupt RNA splicing. Variants that disrupt the donor or acceptor splice site typically lead to a loss of protein function (PMID: 16199547), and loss-of-function variants in SLC26A4 are known to be pathogenic (PMID: 16283880, 25394566, 26252218, 26445815).

Genome-Nilou Lab
Classification: Likely pathogenic for Pendred syndrome. Last evaluated: 2021-09-05. Review status: criteria provided, single submitter. Criteria: ACMG Guidelines, 2015. Collection method: clinical testing. Allele origin: germline. Affected: no.

ARUP Laboratories, Molecular Genetics and Genomics, ARUP Laboratories
Classification: Pathogenic. Last evaluated: 2016-11-23. Review status: criteria provided, single submitter. Criteria: ARUP Molecular Germline Variant Investigation Process. Collection method: clinical testing. Allele origin: germline.

Laboratory for Molecular Medicine, Mass General Brigham Personalized Medicine
Classification: Pathogenic for Rare genetic deafness. Last evaluated: 2010-07-15. Review status: criteria provided, single submitter. Criteria: LMM Criteria. Collection method: clinical testing. Allele origin: germline. Observed: 1 variant allele.
Comment: The 765+2T>C variant in SLC26A4 has not been reported in the literature. However , the 765+2T>C variant is predicted to cause abnormal splicing because the nucle otide substitution occurs in the invariant region of the splice consensus sequen ce. In summary, this variant meets our criteria to be classified as pathogenic.

Literature cited by the submitters: PubMed 16199547 (cited by Labcorp Genetics (formerly Invitae), Labcorp); PubMed 16283880 (cited by Labcorp Genetics (formerly Invitae), Labcorp); PubMed 25394566 (cited by Labcorp Genetics (formerly Invitae), Labcorp); PubMed 26252218 (cited by Labcorp Genetics (formerly Invitae), Labcorp); PubMed 26445815 (cited by Labcorp Genetics (formerly Invitae), Labcorp).